The following is an entry in ClinVar:

NM_000433.4(NCF2):c.244T>A (p.Tyr82Asn)

Gene: NCF2 (neutrophil cytosolic factor 2; minus strand). Cytogenetic location: 1q25.3.
Variant type: single nucleotide variant.
Coding change: c.244T>A on transcript NM_000433.4 (MANE Select); coding-DNA position 244, T replaced by A.
Protein change: p.Tyr82Asn; replaces tyrosine 82 with asparagine.
Molecular consequence: missense variant.
Genome position (GRCh38, 1-based): chr1:183,586,908, A>T on the plus strand (T>A on the coding strand, the complement: NCF2 is on the minus strand). VCF-style: chr1-183586908-A-T. GRCh37 (hg19) VCF-style: chr1-183556043-A-T.
Other names: c.244T>A, p.Tyr82Asn (NM_001127651.3, NM_001190789.2, NM_001190794.2); short protein forms Y82N.
Identifiers: ClinVar variation 653369 (VCV000653369.8), dbSNP rs201003183, ClinGen allele CA1285022.

ClinVar aggregate classification (germline): Uncertain significance. Review status: criteria provided, multiple submitters, no conflicts (2 of 4 stars). 3 submissions from 3 submitters: Uncertain significance (3). Last evaluated 2024-09-14.

Conditions:
Inborn genetic diseases. Identifiers: MedGen C0950123, MeSH D030342.
Granulomatous disease, chronic, autosomal recessive, cytochrome b-positive, type 2. Also called: Chronic Granulomatous Disease, Autosomal Recessive, Cytochrome b-Positive, Type II; GRANULOMATOUS DISEASE, CHRONIC, DUE TO NCF2 DEFICIENCY; CGD, AUTOSOMAL RECESSIVE CYTOCHROME b-POSITIVE, TYPE II; GRANULOMATOUS DISEASE, CHRONIC, AUTOSOMAL RECESSIVE, 2; Chronic granulomatous disease due to deficiency of NCF-2. Identifiers: Orphanet 379, MedGen C1856245, MONDO:0009310, OMIM 233710.

Allele frequency attached by ClinVar (database versions not stated): gnomAD exomes 0.00012 and 0.00031; gnomAD 0.00013 and 0.00014; TOPMed 0.00014; ESP Exome Variant Server 0.00015; ExAC 0.00016.
gnomAD v4.1: 498 of 1,613,880 alleles (0.031%); highest among the groups gnomAD compares: Non-Finnish European, 0.038%; no homozygotes.

Submissions (3):

Blueprint Genetics
Classification: Uncertain significance. Last evaluated: 2024-09-14. Review status: criteria provided, single submitter. Criteria: ACMG Guidelines, 2015. Collection method: clinical testing. Allele origin: germline.

Labcorp Genetics (formerly Invitae), Labcorp
Classification: Uncertain significance for Granulomatous disease, chronic, autosomal recessive, cytochrome b-positive, type 2. Last evaluated: 2022-07-27. Review status: criteria provided, single submitter. Criteria: Invitae Variant Classification Sherloc (09022015). Collection method: clinical testing. Allele origin: germline.
Comment: This sequence change replaces tyrosine, which is neutral and polar, with asparagine, which is neutral and polar, at codon 82 of the NCF2 protein (p.Tyr82Asn). This variant is present in population databases (rs201003183, gnomAD 0.02%). This variant has not been reported in the literature in individuals affected with NCF2-related conditions. ClinVar contains an entry for this variant (Variation ID: 653369). Algorithms developed to predict the effect of missense changes on protein structure and function are either unavailable or do not agree on the potential impact of this missense change (SIFT: "Deleterious"; PolyPhen-2: "Benign"; Align-GVGD: "Class C0"). In summary, the available evidence is currently insufficient to determine the role of this variant in disease. Therefore, it has been classified as a Variant of Uncertain Significance.

Ambry Genetics
Classification: Uncertain significance for Inborn genetic diseases. Last evaluated: 2021-12-07. Review status: criteria provided, single submitter. Criteria: Ambry Variant Classification Scheme 2023. Collection method: clinical testing. Allele origin: germline.